The following is an entry in ClinVar:

NM_006785.4(MALT1):c.665T>C (p.Val222Ala)

Gene: MALT1 (MALT1 paracaspase; plus strand). Cytogenetic location: 18q21.32.
Variant type: single nucleotide variant.
Coding change: c.665T>C on transcript NM_006785.4 (MANE Select); coding-DNA position 665, T replaced by C.
Protein change: p.Val222Ala; replaces valine 222 with alanine.
Molecular consequence: missense variant.
Genome position (GRCh38, 1-based): chr18:58,709,393, T>C. VCF-style: chr18-58709393-T-C. GRCh37 (hg19) VCF-style: chr18-56376625-T-C.
Other names: c.665T>C, p.Val222Ala (NM_173844.3); short protein forms V222A.
Identifiers: ClinVar variation 1462727 (VCV001462727.6), dbSNP rs2144387267, ClinGen allele CA402573097.

ClinVar aggregate classification (germline): Uncertain significance. Review status: criteria provided, multiple submitters, no conflicts (2 of 4 stars). 2 submissions from 2 submitters: Uncertain significance (2). Last evaluated 2021-09-24.

Conditions:
Combined immunodeficiency due to MALT1 deficiency. Also called: Immunodeficiency 12. Identifiers: Orphanet 397964, MedGen C3809583, MONDO:0014197, OMIM 615468.

Submissions (2):

Labcorp Genetics (formerly Invitae), Labcorp
Classification: Uncertain significance for Combined immunodeficiency due to MALT1 deficiency. Last evaluated: 2021-09-24. Review status: criteria provided, single submitter. Criteria: Invitae Variant Classification Sherloc (09022015). Collection method: clinical testing. Allele origin: germline.
Comment: This sequence change replaces valine with alanine at codon 222 of the MALT1 protein (p.Val222Ala). The valine residue is weakly conserved and there is a small physicochemical difference between valine and alanine. This variant is not present in population databases (ExAC no frequency). This variant has not been reported in the literature in individuals with MALT1-related conditions. Algorithms developed to predict the effect of missense changes on protein structure and function (SIFT, PolyPhen-2, Align-GVGD) all suggest that this variant is likely to be tolerated, but these predictions have not been confirmed by published functional studies and their clinical significance is uncertain. In summary, the available evidence is currently insufficient to determine the role of this variant in disease. Therefore, it has been classified as a Variant of Uncertain Significance.

Breakthrough Genomics
Classification: Uncertain significance. Review status: criteria provided, single submitter. Criteria: ACMG Guidelines, 2015. Collection method: not provided. Allele origin: germline. Inheritance: Autosomal recessive inheritance. Affected: yes.